The following is an entry in ClinVar:

NM_000506.5(F2):c.201C>T (p.Tyr67=)

Gene: F2 (coagulation factor II, thrombin; plus strand). Cytogenetic location: 11p11.2.
Variant type: single nucleotide variant.
Coding change: c.201C>T on transcript NM_000506.5 (MANE Select); coding-DNA position 201, C replaced by T.
Protein change: p.Tyr67=; no amino-acid change (tyrosine 67 retained).
Molecular consequence: synonymous variant.
Genome position (GRCh38, 1-based): chr11:46,719,823, C>T. VCF-style: chr11-46719823-C-T. GRCh37 (hg19) VCF-style: chr11-46741373-C-T.
Identifiers: ClinVar variation 806660 (VCV000806660.38), dbSNP rs776998025, ClinGen allele CA5966824.

ClinVar aggregate classification (germline): Likely benign. Review status: criteria provided, multiple submitters, no conflicts (2 of 4 stars). 2 submissions from 2 submitters: Likely benign (2). Last evaluated 2023-11-01.

Conditions:
Congenital prothrombin deficiency. Also called: Factor II deficiency; Inherited hypoprothrombinemia; Congenital factor II deficiency; Inherited prothrombin deficiency; HYPOPROTHROMBINEMIA; Hereditary factor II deficiency disease. Identifiers: Orphanet 325, MedGen C0272317, MONDO:0013361, OMIM 613679.

Allele frequency attached by ClinVar (database versions not stated): gnomAD exomes below 0.00001; gnomAD 0.00001; TOPMed 0.00001; ExAC 0.00002 and 0.00003.
gnomAD v4.1: 21 of 1,587,962 alleles (0.0013%); highest among the groups gnomAD compares: African/African-American, 0.0027%; no homozygotes.

Submissions (2):

CeGaT Center for Human Genetics Tuebingen
Classification: Likely benign. Last evaluated: 2023-11-01. Review status: criteria provided, single submitter. Criteria: CeGaT Center For Human Genetics Tuebingen Variant Classification Criteria Version 2. Collection method: clinical testing. Allele origin: germline. Affected: yes. Observed: 1 variant allele.
Comment: F2: BP4, BP7

Labcorp Genetics (formerly Invitae), Labcorp
Classification: Likely benign for Congenital prothrombin deficiency. Last evaluated: 2023-09-12. Review status: criteria provided, single submitter. Criteria: Invitae Variant Classification Sherloc (09022015). Collection method: clinical testing. Allele origin: germline.